The following is an entry in ClinVar:

NM_000751.3(CHRND):c.244G>A (p.Gly82Ser)

Gene: CHRND (cholinergic receptor nicotinic delta subunit; plus strand). Cytogenetic location: 2q37.1.
Variant type: single nucleotide variant.
Coding change: c.244G>A on transcript NM_000751.3 (MANE Select); coding-DNA position 244, G replaced by A.
Protein change: p.Gly82Ser; replaces glycine 82 with serine.
Molecular consequence: missense variant. On other transcripts: 5 prime UTR variant (2).
Genome position (GRCh38, 1-based): chr2:232,528,262, G>A. VCF-style: chr2-232528262-G-A. GRCh37 (hg19) VCF-style: chr2-233392972-G-A.
Other names: c.199G>A, p.Gly67Ser (NM_001256657.2); c.-28G>A (NM_001311195.2, NM_001311196.2); short protein forms G82S, G67S.
Identifiers: ClinVar variation 197165 (VCV000197165.10), dbSNP rs794727630, ClinGen allele CA245153.

ClinVar aggregate classification (germline): Uncertain significance. Review status: criteria provided, multiple submitters, no conflicts (2 of 4 stars). 2 submissions from 2 submitters: Uncertain significance (2). Last evaluated 2022-04-18.

Conditions:
Lethal multiple pterygium syndrome (LMPS). Identifiers: Orphanet 33108, MedGen C1854678, MONDO:0009668, OMIM 253290.

Allele frequency attached by ClinVar (database versions not stated): gnomAD exomes below 0.00001; gnomAD 0.00001; TOPMed 0.00001.
gnomAD v4.1: 4 of 1,614,004 alleles (0.00025%); highest among the groups gnomAD compares: African/African-American, 0.0053%; no homozygotes.

Submissions (2):

Labcorp Genetics (formerly Invitae), Labcorp
Classification: Uncertain significance for Lethal multiple pterygium syndrome. Last evaluated: 2022-04-18. Review status: criteria provided, single submitter. Criteria: Invitae Variant Classification Sherloc (09022015). Collection method: clinical testing. Allele origin: germline.
Comment: In summary, the available evidence is currently insufficient to determine the role of this variant in disease. Therefore, it has been classified as a Variant of Uncertain Significance. Algorithms developed to predict the effect of sequence changes on RNA splicing suggest that this variant may create or strengthen a splice site. Algorithms developed to predict the effect of missense changes on protein structure and function (SIFT, PolyPhen-2, Align-GVGD) all suggest that this variant is likely to be tolerated. This sequence change replaces glycine, which is neutral and non-polar, with serine, which is neutral and polar, at codon 82 of the CHRND protein (p.Gly82Ser). ClinVar contains an entry for this variant (Variation ID: 197165). This variant has not been reported in the literature in individuals affected with CHRND-related conditions. This variant is present in population databases (rs794727630, gnomAD 0.007%).

Eurofins Ntd Llc (ga)
Classification: Uncertain significance. Last evaluated: 2015-04-20. Review status: criteria provided, single submitter. Criteria: EGL Classification Definitions 2015. Collection method: clinical testing. Allele origin: germline. Observed: 1 variant allele, 1 heterozygote.